The following is an entry in ClinVar:

ClinVar aggregate classification (germline): Likely benign. Review status: reviewed by expert panel (3 of 4 stars). 19 submissions from 18 submitters: Likely benign (1). 18 of the submissions do not count toward it. Last evaluated 2021-03-18.

Conditions:
RYR1-related disorder. Also called: RYR1-related disorders; RYR1-related condition. Identifiers: MedGen CN239331.
Malignant hyperthermia, susceptibility to, 1 (MHS1). Also called: Malignant hyperthermia suceptibility 1; Anesthesia related hyperthermia; Malignant hyperpyrexia; Fulminating hyperpyrexia; Pharmacogenic myopathy; RYR1-Related Malignant Hyperthermia Susceptibility. Identifiers: Orphanet 423, MedGen C2930980, MONDO:0007783, OMIM 145600.
Congenital multicore myopathy with external ophthalmoplegia (CMYO1B). Also called: Congenital myopathy 1B, autosomal recessive; Minicore myopathy; MULTICORE MYOPATHY; MULTIMINICORE DISEASE WITH EXTERNAL OPHTHALMOPLEGIA; Minicore myopathy with external ophthalmoplegia. Identifiers: Orphanet 598, Orphanet 98905, MedGen C1850674, MONDO:0009712, OMIM 255320, HP:0003789.

Allele frequency attached by ClinVar (database versions not stated): 1000 Genomes Project 30x 0.00031; ExAC 0.00068; gnomAD exomes 0.00074 and 0.00129; gnomAD 0.00081 and 0.00085; TOPMed 0.00085; ESP Exome Variant Server 0.00092.
gnomAD v4.1: 1,984 of 1,611,320 alleles (0.12%); highest among the groups gnomAD compares: Non-Finnish European, 0.16%; 4 homozygotes.

Submissions (19):

ClinGen Malignant Hyperthermia Susceptibility Variant Curation Expert Panel, ClinGen
Classification: Likely benign for Malignant hyperthermia, susceptibility to, 1. Last evaluated: 2021-03-18. Review status: reviewed by expert panel. Criteria: ClinGen MHS ACMG Specifications V1. Collection method: curation. Allele origin: germline. Inheritance: Autosomal dominant inheritance.
Comment: This pathogenicity assessment is relevant only for malignant hyperthermia susceptibility (MHS) inherited in an autosomal dominant pattern. Variants in RYR1 can also cause other myopathies inherited in an autosomal dominant pattern or in an autosomal recessive pattern. Some of these disorders may predispose individuals to malignant hyperthermia. RYR1 variants may also contribute to a malignant hyperthermia reaction in combination with other genetic and non-genetic factors and the clinician needs to consider such factors in making management decisions. This sequence variant predicts a substitution of serine with phenylalanine at codon 2776 of the RYR1 protein p.(Ser2776Phe). The maximum allele frequency for this variant among the six major gnomAD populations is NFE: 0.00145, this is considered to be more common than expected for a pathogenic variant causing autosomal dominant MHS, BS1. This variant has been reported in two unrelated individuals who have a personal or family history of a malignant hyperthermia reaction, both of these individuals had a positive in vitro contracture test (IVCT) or caffeine halothane contracture test (CHCT) result (when the proband was unavailable for testing a positive diagnostic test result in a mutation positive relative was counted), ( PMID:21965348, PMID:30236257 ). However, the high MAF in the NFE population in gnomAD precludes the use of PS4. No functional studies were identified for this variant. This variant does not reside in a hotspot for pathogenic variants that contribute to MHS. A REVEL score of 0.693 does not support a pathogenic or a benign status. This variant has been classified as Likely Benign. Criteria implemented: BS1.

CeGaT Center for Human Genetics Tuebingen
Classification: Likely benign. Last evaluated: 2026-07-01. Review status: criteria provided, single submitter. Criteria: CeGaT Center For Human Genetics Tuebingen Variant Classification Criteria Version 2. Collection method: clinical testing. Allele origin: germline. Affected: yes. Observed: 6 variant alleles. Not counted in ClinVar's aggregate classification.
Comment: RYR1: PP3, BS1

Labcorp Genetics (formerly Invitae), Labcorp
Classification: Likely benign for RYR1-related disorder. Last evaluated: 2026-02-02. Review status: criteria provided, single submitter. Criteria: Invitae Variant Classification Sherloc (09022015). Collection method: clinical testing. Allele origin: germline. Not counted in ClinVar's aggregate classification.

PreventionGenetics, part of Exact Sciences
Classification: Likely benign for RYR1-related condition. Last evaluated: 2025-05-02. Review status: criteria provided, single submitter. Criteria: ACMG Guidelines, 2015. Collection method: clinical testing. Allele origin: germline. Not counted in ClinVar's aggregate classification.
Comment: This variant is classified as likely benign based on ACMG/AMP sequence variant interpretation guidelines (Richards et al. 2015 PMID: 25741868, with internal and published modifications).

Blueprint Genetics
Classification: Likely benign. Last evaluated: 2024-10-08. Review status: criteria provided, single submitter. Criteria: ACMG Guidelines, 2015. Collection method: clinical testing. Allele origin: germline. Not counted in ClinVar's aggregate classification.

All of Us Research Program, National Institutes of Health
Classification: Likely benign for Malignant hyperthermia, susceptibility to, 1. Last evaluated: 2024-09-23. Review status: criteria provided, single submitter. Criteria: ACMG Guidelines, 2015. Collection method: clinical testing. Allele origin: germline. Inheritance: Autosomal dominant inheritance. Observed: 314 variant alleles, 314 heterozygotes. Not counted in ClinVar's aggregate classification.
Comment: This study involves interpretation of variants in research participants for the purpose of population health screening. Participant phenotype was not available at the time of variant classification. Additional details can be found in publication PMID: 35346344, PMCID: PMC8962531

Molecular Genetics, Royal Melbourne Hospital
Classification: Likely benign for Malignant hyperthermia, susceptibility to, 1. Last evaluated: 2023-05-04. Review status: criteria provided, single submitter. Criteria: ACMG Guidelines, 2015. Collection method: clinical testing. Allele origin: germline. Affected: no. Not counted in ClinVar's aggregate classification.
Comment: European Non-Finnish population allele frequency is 0.1329%% (rs147707463, 186/128,314 alleles, 0 homozygotes in gnomAD v2.1). Based on the classification scheme RMH Modified ACMG/AMP Guidelines v1.5.1, this variant is classified as LIKELY BENIGN. Following criteria are met: BS1

Mayo Clinic Laboratories, Mayo Clinic
Classification: Uncertain significance. Last evaluated: 2023-04-03. Review status: criteria provided, single submitter. Criteria: ACMG Guidelines, 2015. Collection method: clinical testing. Allele origin: germline. Observed: 1 variant allele. Not counted in ClinVar's aggregate classification.

Color Diagnostics, LLC DBA Color Health
Classification: Likely benign for Malignant hyperthermia, susceptibility to, 1. Last evaluated: 2022-07-19. Review status: criteria provided, single submitter. Criteria: ACMG Guidelines, 2015. Collection method: clinical testing. Allele origin: germline. Not counted in ClinVar's aggregate classification.

GeneDx
Classification: Uncertain significance. Last evaluated: 2022-03-18. Review status: criteria provided, single submitter. Criteria: GeneDx Variant Classification Process June 2021. Collection method: clinical testing. Allele origin: germline. Affected: yes. Not counted in ClinVar's aggregate classification.
Comment: Identified in individuals with RYR1-related neuromuscular disorders; however, in these cases S2776F has been found in conjunction with other potentially pathogenic variants (Fiszer et al., 2015; Snoeck et al., 2015), or as a single variant that was found to be inherited from an unaffected parent (Dowling et al., 2011; Snoeck et al., 2015).; In silico analysis, which includes protein predictors and evolutionary conservation, supports that this variant does not alter protein structure/function; This variant is associated with the following publications: (PMID: 25658027, 21965348, 25960145, 22705209, 27535533, 30788618, 32054689, 24195946, 21514828)

Illumina Laboratory Services, Illumina
Classification: Likely benign for Congenital multicore myopathy with external ophthalmoplegia. Last evaluated: 2017-04-27. Review status: criteria provided, single submitter. Criteria: ICSL Variant Classification Criteria 13 December 2019. Collection method: clinical testing. Allele origin: germline. Not counted in ClinVar's aggregate classification.
Comment: This variant was observed as part of a predisposition screen in an ostensibly healthy population. A literature search was performed for the gene, cDNA change, and amino acid change (where applicable). No publications were found based on this search. Allele frequency data from public databases allowed determination this variant is unlikely to cause disease. Therefore, this variant is classified as likely benign.

Illumina Laboratory Services, Illumina
Classification: Likely benign for Malignant hyperthermia, susceptibility to, 1. Last evaluated: 2017-04-27. Review status: criteria provided, single submitter. Criteria: ICSL Variant Classification Criteria 13 December 2019. Collection method: clinical testing. Allele origin: germline. Not counted in ClinVar's aggregate classification.
Comment: This variant was observed as part of a predisposition screen in an ostensibly healthy population. A literature search was performed for the gene, cDNA change, and amino acid change (where applicable). Publications were found based on this search. The evidence from the literature, in combination with allele frequency data from public databases where available, was sufficient to determine this variant is unlikely to cause disease. Therefore, this variant is classified as likely benign.

Athena Diagnostics
Classification: Uncertain significance. Last evaluated: 2016-11-04. Review status: criteria provided, single submitter. Criteria: Athena Diagnostics Criteria. Collection method: clinical testing. Allele origin: germline. Not counted in ClinVar's aggregate classification.

Laboratory for Molecular Medicine, Mass General Brigham Personalized Medicine
Classification: Uncertain significance. Last evaluated: 2016-04-25. Review status: criteria provided, single submitter. Criteria: LMM Criteria. Collection method: clinical testing. Allele origin: germline. Not counted in ClinVar's aggregate classification.
Comment: Variant identified in a genome or exome case(s) and assessed due to predicted null impact of the variant or pathogenic assertions in the literature or databases. Disclaimer: This variant has not undergone full assessment. The following are preliminary notes: Reported in healthy individuals; ExAC: 0.1% (67/59798) European chromosomes; ClinVar: 1 VUS; ML: Frequent for disease

Eurofins Ntd Llc (ga)
Classification: Uncertain significance. Last evaluated: 2015-04-07. Review status: criteria provided, single submitter. Criteria: EGL Classification Definitions 2015. Collection method: clinical testing. Allele origin: germline. Observed: 1 variant allele, 1 heterozygote. Not counted in ClinVar's aggregate classification.

Biesecker Lab/Clinical Genomics Section, National Institutes of Health
Classification: Likely benign for Malignant hyperthermia, susceptibility to, 1. Last evaluated: 2013-07-01. Review status: criteria provided, single submitter. Criteria: Gonsalves et al. 2013. Collection method: research. Allele origin: unknown. Observed: 1 variant allele. Study: ClinSeq. Not counted in ClinVar's aggregate classification.
Comment: The study set was not selected for affection status in relation to any myopathy. Pathogenicity categories were based on literature curation. See Pubmed ID: 24195946 for details.

Clinical Genetics DNA and cytogenetics Diagnostics Lab, Erasmus MC, Erasmus Medical Center
Classification: Likely benign. Review status: no assertion criteria provided. Collection method: clinical testing. Allele origin: germline. Affected: yes. Study: VKGL Data-share Consensus. Not counted in ClinVar's aggregate classification.

Genome Diagnostics Laboratory, University Medical Center Utrecht
Classification: Likely benign. Review status: no assertion criteria provided. Collection method: clinical testing. Allele origin: germline. Affected: yes. Study: VKGL Data-share Consensus. Not counted in ClinVar's aggregate classification.

Joint Genome Diagnostic Labs from Nijmegen and Maastricht, Radboudumc and MUMC+
Classification: Likely benign. Review status: no assertion criteria provided. Collection method: clinical testing. Allele origin: germline. Affected: yes. Study: VKGL Data-share Consensus. Not counted in ClinVar's aggregate classification.

Literature cited by the submitters: PubMed 21514828 (cited by 3 submitters); PubMed 30788618 (cited by Mayo Clinic Laboratories, Mayo Clinic); PubMed 21965348 (cited by Illumina Laboratory Services, Illumina and Athena Diagnostics); PubMed 22705209 (cited by Illumina Laboratory Services, Illumina and Athena Diagnostics); PubMed 25960145 (cited by Athena Diagnostics); PubMed 23204524 (cited by Athena Diagnostics); PubMed 25461839 (cited by Athena Diagnostics).

NM_000540.3(RYR1):c.8327C>T (p.Ser2776Phe)

Genes: RYR1 (ryanodine receptor 1; plus strand), LOC126862902 (BRD4-independent group 4 enhancer GRCh37_chr19:38995830-38997029; plus strand). Cytogenetic location: 19q13.2.
Variant type: single nucleotide variant.
Coding change: c.8327C>T on transcript NM_000540.3 (MANE Select); coding-DNA position 8327, C replaced by T.
Protein change: p.Ser2776Phe; replaces serine 2776 with phenylalanine.
Molecular consequence: missense variant.
Genome position (GRCh38, 1-based): chr19:38,505,325, C>T. VCF-style: chr19-38505325-C-T. GRCh37 (hg19) VCF-style: chr19-38995965-C-T.
Other names: c.8327C>T, p.Ser2776Phe (NM_001042723.2); short protein forms S2776F.
Identifiers: ClinVar variation 197946 (VCV000197946.76), dbSNP rs147707463, ClinGen allele CA024910.